The following is an entry in ClinVar:

NM_032119.4(ADGRV1):c.11836G>A (p.Gly3946Arg)

Gene: ADGRV1 (adhesion G protein-coupled receptor V1; plus strand). Cytogenetic location: 5q14.3.
Variant type: single nucleotide variant.
Coding change: c.11836G>A on transcript NM_032119.4 (MANE Select); coding-DNA position 11836, G replaced by A.
Protein change: p.Gly3946Arg; replaces glycine 3946 with arginine.
Molecular consequence: missense variant. On other transcripts: non-coding transcript variant (1).
Genome position (GRCh38, 1-based): chr5:90,757,057, G>A. VCF-style: chr5-90757057-G-A. GRCh37 (hg19) VCF-style: chr5-90052874-G-A.
Other names: short protein forms G3946R.
Identifiers: ClinVar variation 1474751 (VCV001474751.6), dbSNP rs2149983945, ClinGen allele CA360371354.

ClinVar aggregate classification (germline): Uncertain significance (1 of 4 stars; one submission).

Submission:

Labcorp Genetics (formerly Invitae), Labcorp
Classification: Uncertain significance. Last evaluated: 2021-11-30. Review status: criteria provided, single submitter. Criteria: Invitae Variant Classification Sherloc (09022015). Collection method: clinical testing. Allele origin: germline.
Comment: This sequence change replaces glycine, which is neutral and non-polar, with arginine, which is basic and polar, at codon 3946 of the ADGRV1 protein (p.Gly3946Arg). This variant is not present in population databases (gnomAD no frequency). In summary, the available evidence is currently insufficient to determine the role of this variant in disease. Therefore, it has been classified as a Variant of Uncertain Significance. Algorithms developed to predict the effect of missense changes on protein structure and function are either unavailable or do not agree on the potential impact of this missense change (SIFT: "Deleterious"; PolyPhen-2: "Probably Damaging"; Align-GVGD: "Class C0"). This variant has not been reported in the literature in individuals affected with ADGRV1-related conditions.